The following is an entry in ClinVar:

ClinVar aggregate classification (germline): Pathogenic (1 of 4 stars; one submission).

Submission:

Labcorp Genetics (formerly Invitae), Labcorp
Classification: Pathogenic. Last evaluated: 2021-12-27. Review status: criteria provided, single submitter. Criteria: Invitae Variant Classification Sherloc (09022015). Collection method: clinical testing. Allele origin: germline.
Comment: This variant is not present in population databases (gnomAD no frequency). This sequence change creates a premature translational stop signal (p.Trp3163*) in the CDH23 gene. It is expected to result in an absent or disrupted protein product. Loss-of-function variants in CDH23 are known to be pathogenic (PMID: 11138009, 21940737). This variant has not been reported in the literature in individuals affected with CDH23-related conditions. Algorithms developed to predict the effect of sequence changes on RNA splicing suggest that this variant may create or strengthen a splice site. For these reasons, this variant has been classified as Pathogenic.

Literature cited by the submitters: PubMed 11138009; PubMed 21940737.

NM_022124.6(CDH23):c.9488G>A (p.Trp3163Ter)

Gene: CDH23 (cadherin related 23; plus strand). Cytogenetic location: 10q22.1.
Variant type: single nucleotide variant.
Coding change: c.9488G>A on transcript NM_022124.6 (MANE Select); coding-DNA position 9488, G replaced by A.
Protein change: p.Trp3163Ter; replaces tryptophan 3163 with a stop codon.
Molecular consequence: nonsense.
Genome position (GRCh38, 1-based): chr10:71,812,587, G>A. VCF-style: chr10-71812587-G-A. GRCh37 (hg19) VCF-style: chr10-73572344-G-A.
Other names: c.2768G>A, p.Trp923Ter (NM_001171933.1, NM_001171934.1); c.179G>A, p.Trp60Ter (NM_001171935.1, NM_001171936.1); short protein forms W3163*, W923*, W60*.
Identifiers: ClinVar variation 2062331 (VCV002062331.4), dbSNP rs1419473986, ClinGen allele CA377136871.